The following is an entry in ClinVar:

ClinVar aggregate classification (germline): Uncertain significance (1 of 4 stars; one submission).

Allele frequency attached by ClinVar (database versions not stated): gnomAD exomes below 0.00001.
gnomAD v4.1: 1 of 1,613,952 alleles (0.000062%); highest among the groups gnomAD compares: Non-Finnish European, 0.000085%; no homozygotes.

Submission:

Labcorp Genetics (formerly Invitae), Labcorp
Classification: Uncertain significance. Last evaluated: 2023-02-28. Review status: criteria provided, single submitter. Criteria: Invitae Variant Classification Sherloc (09022015). Collection method: clinical testing. Allele origin: germline.
Comment: This sequence change replaces cysteine, which is neutral and slightly polar, with serine, which is neutral and polar, at codon 214 of the ADGRA3 protein (p.Cys214Ser). In summary, the available evidence is currently insufficient to determine the role of this variant in disease. Therefore, it has been classified as a Variant of Uncertain Significance. Algorithms developed to predict the effect of sequence changes on RNA splicing suggest that this variant may disrupt the consensus splice site. An algorithm developed to predict the effect of missense changes on protein structure and function (PolyPhen-2) suggests that this variant is likely to be disruptive. This variant has not been reported in the literature in individuals affected with ADGRA3-related conditions. This variant is present in population databases (no rsID available, gnomAD 0.0009%).

NM_145290.4(ADGRA3):c.641G>C (p.Cys214Ser)

Gene: ADGRA3 (adhesion G protein-coupled receptor A3; minus strand). Cytogenetic location: 4p15.2.
Variant type: single nucleotide variant.
Coding change: c.641G>C on transcript NM_145290.4 (MANE Select); coding-DNA position 641, G replaced by C.
Protein change: p.Cys214Ser; replaces cysteine 214 with serine.
Molecular consequence: missense variant.
Genome position (GRCh38, 1-based): chr4:22,445,038, C>G on the plus strand (G>C on the coding strand, the complement: ADGRA3 is on the minus strand). VCF-style: chr4-22445038-C-G. GRCh37 (hg19) VCF-style: chr4-22446661-C-G.
Other names: short protein forms C214S.
Identifiers: ClinVar variation 2841628 (VCV002841628.3), dbSNP rs1217019843, ClinGen allele CA356478374.
Genomic context (GRCh38, chr4:22,445,038, plus strand): 5'-GTCAACAGCTCCTGCTTCACGCCTGTGACTGGTTGGGCCTGCAGTGACTTAGGATAAACA[C>G]ACCTGGTATCCCGTACCGTGATGTTCTTCTCCTTTACCCAGCGATGCATCCACAGTATGT-3'
Protein context (NP_660333.2, residues 204-224): EKNITVRDTR[Cys214Ser]VYPKSLQAQP